The following is an entry in ClinVar:

ClinVar aggregate classification (germline): Pathogenic/Likely pathogenic. Review status: criteria provided, multiple submitters, no conflicts (2 of 4 stars). 2 submissions from 2 submitters: Pathogenic (1); Likely pathogenic (1). Last evaluated 2023-12-11.

Conditions:
LZTR1-related schwannomatosis. Also called: Schwannomatosis 2; Schwannomatosis-2, susceptibility to. Identifiers: Orphanet 93921, MedGen C3810283, MONDO:0014299, OMIM 615670.

Allele frequency attached by ClinVar (database versions not stated): gnomAD exomes below 0.00001; TOPMed below 0.00001.

Submissions (2):

Baylor Genetics
Classification: Likely pathogenic for LZTR1-related schwannomatosis. Last evaluated: 2023-12-11. Review status: criteria provided, single submitter. Criteria: ACMG Guidelines, 2015. Collection method: clinical testing. Allele origin: unknown.

Labcorp Genetics (formerly Invitae), Labcorp
Classification: Pathogenic. Last evaluated: 2023-12-02. Review status: criteria provided, single submitter. Criteria: Invitae Variant Classification Sherloc (09022015). Collection method: clinical testing. Allele origin: germline.
Comment: This sequence change creates a premature translational stop signal (p.Val173Serfs*27) in the LZTR1 gene. It is expected to result in an absent or disrupted protein product. Loss-of-function variants in LZTR1 are known to be pathogenic (PMID: 24362817, 25335493, 25480913, 25795793, 29469822, 30368668, 30442762, 30442766, 30481304, 30859559). This variant is not present in population databases (gnomAD no frequency). This variant has not been reported in the literature in individuals affected with LZTR1-related conditions. For these reasons, this variant has been classified as Pathogenic.

Literature cited by the submitters: PubMed 24362817 (cited by Labcorp Genetics (formerly Invitae), Labcorp); PubMed 25335493 (cited by Labcorp Genetics (formerly Invitae), Labcorp); PubMed 25480913 (cited by Labcorp Genetics (formerly Invitae), Labcorp); PubMed 25795793 (cited by Labcorp Genetics (formerly Invitae), Labcorp); PubMed 29469822 (cited by Labcorp Genetics (formerly Invitae), Labcorp); PubMed 30368668 (cited by Labcorp Genetics (formerly Invitae), Labcorp); PubMed 30442762 (cited by Labcorp Genetics (formerly Invitae), Labcorp); PubMed 30442766 (cited by Labcorp Genetics (formerly Invitae), Labcorp); PubMed 30481304 (cited by Labcorp Genetics (formerly Invitae), Labcorp); PubMed 30859559 (cited by Labcorp Genetics (formerly Invitae), Labcorp).

NM_006767.4(LZTR1):c.516del (p.Val173fs)

Gene: LZTR1 (leucine zipper like post translational regulator 1; plus strand). Cytogenetic location: 22q11.21.
Variant type: Deletion.
Coding change: c.516del on transcript NM_006767.4 (MANE Select); coding-DNA position 516, one base deleted (A; older notation c.516delA).
Protein change: p.Val173fs; shifts the reading frame from valine 173.
Molecular consequence: frameshift variant.
Genome position (GRCh38, 1-based): chr22:20,988,795, A deleted. VCF-style (leftmost placement, unchanged base first): chr22-20988794-CA-C. GRCh37 (hg19) VCF-style: chr22-21343083-CA-C.
Other names: short protein forms V173fs.
Identifiers: ClinVar variation 2790338 (VCV002790338.4), dbSNP rs1164266200, ClinGen allele CA751578454.